The following is an entry in ClinVar:

ClinVar aggregate classification (germline): Uncertain significance (1 of 4 stars; one submission).

Conditions:
Hereditary cancer-predisposing syndrome. Also called: Neoplastic Syndromes, Hereditary; Tumor predisposition; Hereditary Cancer Syndrome; Hereditary neoplastic syndrome. Identifiers: Orphanet 140162, MedGen C0027672, MeSH D009386, MONDO:0015356.

Submission:

Ambry Genetics
Classification: Uncertain significance for Hereditary cancer-predisposing syndrome. Last evaluated: 2025-08-22. Review status: criteria provided, single submitter. Criteria: Ambry Variant Classification Scheme 2023. Collection method: clinical testing. Allele origin: germline.
Comment: The p.T547I variant (also known as c.1640C>T), located in coding exon 4 of the PALB2 gene, results from a C to T substitution at nucleotide position 1640. The threonine at codon 547 is replaced by isoleucine, an amino acid with similar properties. This amino acid position is poorly conserved in available vertebrate species. In addition, this alteration is predicted to be tolerated by in silico analysis. Since supporting evidence is limited at this time, the clinical significance of this alteration remains unclear.

NM_024675.4(PALB2):c.1640C>T (p.Thr547Ile)

Gene: PALB2 (partner and localizer of BRCA2; minus strand). Cytogenetic location: 16p12.2.
Variant type: single nucleotide variant.
Coding change: c.1640C>T on transcript NM_024675.4 (MANE Select); coding-DNA position 1640, C replaced by T.
Protein change: p.Thr547Ile; replaces threonine 547 with isoleucine.
Molecular consequence: missense variant.
Genome position (GRCh38, 1-based): chr16:23,634,906, G>A on the plus strand (C>T on the coding strand, the complement: PALB2 is on the minus strand). VCF-style: chr16-23634906-G-A. GRCh37 (hg19) VCF-style: chr16-23646227-G-A.
Other names: short protein forms T547I.
Identifiers: ClinVar variation 819726 (VCV000819726.5), dbSNP rs1597095364, ClinGen allele CA395130174.